The following is an entry in ClinVar:

NM_012309.5(SHANK2):c.367C>T (p.Arg123Cys)

Gene: SHANK2 (SH3 and multiple ankyrin repeat domains 2; minus strand). Cytogenetic location: 11q13.4.
Variant type: single nucleotide variant.
Coding change: c.367C>T on transcript NM_012309.5 (MANE Select); coding-DNA position 367, C replaced by T.
Protein change: p.Arg123Cys; replaces arginine 123 with cysteine.
Molecular consequence: missense variant.
Genome position (GRCh38, 1-based): chr11:71,118,873, G>A on the plus strand (C>T on the coding strand, the complement: SHANK2 is on the minus strand). VCF-style: chr11-71118873-G-A. GRCh37 (hg19) VCF-style: chr11-70829919-G-A.
Other names: short protein forms R123C.
Identifiers: ClinVar variation 2231098 (VCV002231098.3), dbSNP rs367713202, ClinGen allele CA6162141.

ClinVar aggregate classification (germline): Conflicting classifications of pathogenicity. Review status: criteria provided, conflicting classifications (1 of 4 stars). 2 submissions from 2 submitters: Uncertain significance (1); Likely benign (1). Last evaluated 2026-08-01.

Conditions:
Inborn genetic diseases. Identifiers: MedGen C0950123, MeSH D030342.

Allele frequency attached by ClinVar (database versions not stated): gnomAD exomes 0.00001; TOPMed 0.00001; gnomAD 0.00003; ExAC 0.00005; ESP Exome Variant Server 0.00022.
gnomAD v4.1: 24 of 1,551,564 alleles (0.0015%); highest among the groups gnomAD compares: South Asian, 0.0071%; no homozygotes.

Submissions (2):

CeGaT Center for Human Genetics Tuebingen
Classification: Likely benign. Last evaluated: 2026-08-01. Review status: criteria provided, single submitter. Criteria: CeGaT Center For Human Genetics Tuebingen Variant Classification Criteria Version 2. Collection method: clinical testing. Allele origin: germline. Affected: yes. Observed: 1 variant allele.
Comment: SHANK2: BP4

Ambry Genetics
Classification: Uncertain significance for Inborn genetic diseases. Last evaluated: 2022-09-15. Review status: criteria provided, single submitter. Criteria: Ambry Variant Classification Scheme 2023. Collection method: clinical testing. Allele origin: germline.